The following is an entry in ClinVar:

NM_000516.7(GNAS):c.139+4A>C

Gene: GNAS (GNAS complex locus; plus strand). Cytogenetic location: 20q13.32.
Variant type: single nucleotide variant.
Coding change: c.139+4A>C on transcript NM_000516.7 (MANE Select); 4 bases into the intron after coding-DNA position 139, A replaced by C.
Molecular consequence: intron variant.
Genome position (GRCh38, 1-based): chr20:58,891,869, A>C. VCF-style: chr20-58891869-A-C. GRCh37 (hg19) VCF-style: chr20-57466924-A-C.
Other names: c.*43-3743A>C (NM_016592.5); c.-38-3743A>C (NM_001309861.2); c.*1-3743A>C (NM_001077490.3); c.2069-3743A>C (NM_080425.4); c.*159-3743A>C (NM_001309883.1); c.-39+2516A>C (NM_001309840.2); c.139+4A>C (NM_001077488.5, NM_080426.4, NM_001077489.4 and 2 more transcripts).
Identifiers: ClinVar variation 2148300 (VCV002148300.5), dbSNP rs1568979988, ClinGen allele CA636225097.

ClinVar aggregate classification (germline): Uncertain significance. Review status: criteria provided, single submitter (1 of 4 stars). 2 submissions from 2 submitters: Uncertain significance (1). 1 of the submissions does not count toward it. Last evaluated 2024-05-29.

Conditions:
GNAS-related disorder. Identifiers: MedGen CN380105.

Allele frequency attached by ClinVar (database versions not stated): gnomAD exomes below 0.00001; gnomAD 0.00001; TOPMed 0.00002.
gnomAD v4.1: 6 of 1,193,090 alleles (0.0005%); highest among the groups gnomAD compares: Admixed American, 0.012%; no homozygotes.

Submissions (2):

Labcorp Genetics (formerly Invitae), Labcorp
Classification: Uncertain significance. Last evaluated: 2024-05-29. Review status: criteria provided, single submitter. Criteria: Invitae Variant Classification Sherloc (09022015). Collection method: clinical testing. Allele origin: germline.
Comment: This sequence change falls in intron 1 of the GNAS gene. It does not directly change the encoded amino acid sequence of the GNAS protein. It affects a nucleotide within the consensus splice site. This variant is present in population databases (no rsID available, gnomAD 0.02%). This variant has not been reported in the literature in individuals affected with GNAS-related conditions. ClinVar contains an entry for this variant (Variation ID: 2148300). Variants that disrupt the consensus splice site are a relatively common cause of aberrant splicing (PMID: 17576681, 9536098). Algorithms developed to predict the effect of sequence changes on RNA splicing suggest that this variant may create or strengthen a splice site. In summary, the available evidence is currently insufficient to determine the role of this variant in disease. Therefore, it has been classified as a Variant of Uncertain Significance.

PreventionGenetics, part of Exact Sciences
Classification: Uncertain significance for GNAS-related condition. Last evaluated: 2024-03-07. Review status: no assertion criteria provided. Collection method: clinical testing. Allele origin: germline. Not counted in ClinVar's aggregate classification.
Comment: The GNAS c.139+4A>C variant is predicted to interfere with splicing. This variant is predicted to create a cryptic splice donor site (SpliceAI, Jaganathan et al. 2019. PubMed ID: 30661751). To our knowledge, this variant has not been reported in the literature. This variant is reported in 0.017% of alleles in individuals of Latino descent in gnomAD. At this time, the clinical significance of this variant is uncertain due to the absence of conclusive functional and genetic evidence.

Literature cited by the submitters: PubMed 17576681 (cited by Labcorp Genetics (formerly Invitae), Labcorp); PubMed 9536098 (cited by Labcorp Genetics (formerly Invitae), Labcorp).